The following is an entry in ClinVar:

NM_002519.3(NPAT):c.3866C>T (p.Ala1289Val)

Gene: NPAT (nuclear protein, coactivator of histone transcription; minus strand). Cytogenetic location: 11q22.3.
Variant type: single nucleotide variant.
Coding change: c.3866C>T on transcript NM_002519.3 (MANE Select); coding-DNA position 3866, C replaced by T.
Protein change: p.Ala1289Val; replaces alanine 1289 with valine.
Molecular consequence: missense variant.
Genome position (GRCh38, 1-based): chr11:108,161,220, G>A on the plus strand (C>T on the coding strand, the complement: NPAT is on the minus strand). VCF-style: chr11-108161220-G-A. GRCh37 (hg19) VCF-style: chr11-108031947-G-A.
Other names: c.3887C>T, p.Ala1296Val (NM_001321307.1); c.3866C>T (NM_002519.2); short protein forms A1289V, A1296V.
Identifiers: ClinVar variation 2188621 (VCV002188621.7), dbSNP rs754396326, ClinGen allele CA6263507.

ClinVar aggregate classification (germline): Conflicting classifications of pathogenicity. Review status: criteria provided, conflicting classifications (1 of 4 stars). 2 submissions from 2 submitters: Uncertain significance (1); Likely benign (1). Last evaluated 2025-04-21.

Allele frequency attached by ClinVar (database versions not stated): gnomAD 0.00003; ExAC 0.00005; TOPMed 0.00006.
gnomAD v4.1: 47 of 1,613,998 alleles (0.0029%); highest among the groups gnomAD compares: Middle Eastern, 0.099%; no homozygotes.

Submissions (2):

Labcorp Genetics (formerly Invitae), Labcorp
Classification: Uncertain significance. Last evaluated: 2025-04-21. Review status: criteria provided, single submitter. Criteria: Invitae Variant Classification Sherloc (09022015). Collection method: clinical testing. Allele origin: germline.
Comment: This sequence change replaces alanine, which is neutral and non-polar, with valine, which is neutral and non-polar, at codon 1289 of the NPAT protein (p.Ala1289Val). This variant is present in population databases (rs754396326, gnomAD 0.01%). This variant has not been reported in the literature in individuals affected with NPAT-related conditions. ClinVar contains an entry for this variant (Variation ID: 2188621). An algorithm developed to predict the effect of missense changes on protein structure and function outputs the following: PolyPhen-2: "Benign". The valine amino acid residue is found in multiple mammalian species, which suggests that this missense change does not adversely affect protein function. In summary, the available evidence is currently insufficient to determine the role of this variant in disease. Therefore, it has been classified as a Variant of Uncertain Significance.

Ambry Genetics
Classification: Likely benign. Last evaluated: 2024-12-05. Review status: criteria provided, single submitter. Criteria: Ambry Variant Classification Scheme 2023. Collection method: clinical testing. Allele origin: germline.